The following is an entry in ClinVar:

ClinVar aggregate classification (germline): Uncertain significance. Review status: criteria provided, multiple submitters, no conflicts (2 of 4 stars). 2 submissions from 2 submitters: Uncertain significance (2). Last evaluated 2025-12-08.

Conditions:
Inborn genetic diseases. Identifiers: MedGen C0950123, MeSH D030342.

Submissions (2):

Ambry Genetics
Classification: Uncertain significance for Inborn genetic diseases. Last evaluated: 2025-12-08. Review status: criteria provided, single submitter. Criteria: Ambry Variant Classification Scheme 2023. Collection method: clinical testing. Allele origin: germline.

Labcorp Genetics (formerly Invitae), Labcorp
Classification: Uncertain significance. Last evaluated: 2024-06-24. Review status: criteria provided, single submitter. Criteria: Invitae Variant Classification Sherloc (09022015). Collection method: clinical testing. Allele origin: germline.
Comment: This sequence change replaces serine, which is neutral and polar, with phenylalanine, which is neutral and non-polar, at codon 228 of the SIN3A protein (p.Ser228Phe). This variant is not present in population databases (gnomAD no frequency). This variant has not been reported in the literature in individuals affected with SIN3A-related conditions. An algorithm developed to predict the effect of missense changes on protein structure and function (PolyPhen-2) suggests that this variant is likely to be tolerated. In summary, the available evidence is currently insufficient to determine the role of this variant in disease. Therefore, it has been classified as a Variant of Uncertain Significance.

NM_001145358.2(SIN3A):c.683C>T (p.Ser228Phe)

Gene: SIN3A (SIN3 transcription regulator family member A; minus strand). Cytogenetic location: 15q24.2.
Variant type: single nucleotide variant.
Coding change: c.683C>T on transcript NM_001145358.2 (MANE Select); coding-DNA position 683, C replaced by T.
Protein change: p.Ser228Phe; replaces serine 228 with phenylalanine.
Molecular consequence: missense variant.
Genome position (GRCh38, 1-based): chr15:75,412,836, G>A on the plus strand (C>T on the coding strand, the complement: SIN3A is on the minus strand). VCF-style: chr15-75412836-G-A. GRCh37 (hg19) VCF-style: chr15-75705177-G-A.
Other names: c.683C>T (NM_001145358.1); c.683C>T, p.Ser228Phe (NM_001145357.2, NM_015477.3); short protein forms S228F.
Identifiers: ClinVar variation 3715671 (VCV003715671.3).